The following is an entry in ClinVar:

ClinVar aggregate classification (germline): Conflicting classifications of pathogenicity. Review status: criteria provided, conflicting classifications (1 of 4 stars). 5 submissions from 5 submitters: Uncertain significance (1); Benign (1); Likely benign (2). 1 of the submissions does not count toward it. Last evaluated 2026-01-15.

Conditions:
MED25-related disorder. Also called: MED25-related condition.
Charcot-Marie-Tooth disease. Also called: Charcot-Marie-Tooth Neuropathy; Charcot-Marie-Tooth Hereditary Neuropathy. Identifiers: Orphanet 166, MedGen C0007959, MONDO:0015626.
Charcot-Marie-Tooth disease type 2. Also called: Charcot-Marie-Tooth type 2. Identifiers: Orphanet 64746, MedGen C0270914, MONDO:0018993.

Allele frequency attached by ClinVar (database versions not stated): gnomAD exomes 0.00039 and 0.00017; 1000 Genomes Project 30x 0.00062; 1000 Genomes Project 0.00080; gnomAD 0.00119 and 0.00125; ESP Exome Variant Server 0.00131; TOPMed 0.00131; ExAC 0.00038.
gnomAD v4.1: 431 of 1,613,120 alleles (0.027%); highest among the groups gnomAD compares: African/African-American, 0.37%; no homozygotes.

Submissions (5):

Labcorp Genetics (formerly Invitae), Labcorp
Classification: Benign for Charcot-Marie-Tooth disease type 2. Last evaluated: 2026-01-15. Review status: criteria provided, single submitter. Criteria: Invitae Variant Classification Sherloc (09022015). Collection method: clinical testing. Allele origin: germline.

CeGaT Center for Human Genetics Tuebingen
Classification: Likely benign. Last evaluated: 2024-02-01. Review status: criteria provided, single submitter. Criteria: CeGaT Center For Human Genetics Tuebingen Variant Classification Criteria Version 2. Collection method: clinical testing. Allele origin: germline. Affected: yes. Observed: 1 variant allele.
Comment: MED25: BP4, BP7

Eurofins Ntd Llc (ga)
Classification: Uncertain significance. Last evaluated: 2016-05-13. Review status: criteria provided, single submitter. Criteria: EGL Classification Definitions 2015. Collection method: clinical testing. Allele origin: germline. Observed: 1 variant allele, 1 heterozygote.

Molecular Genetics Laboratory, London Health Sciences Centre
Classification: Likely benign for Charcot-Marie-Tooth disease. Review status: criteria provided, single submitter. Criteria: ACMG Guidelines, 2015. Collection method: clinical testing. Allele origin: germline. Affected: yes.

PreventionGenetics, part of Exact Sciences
Classification: Likely benign for MED25-related condition. Last evaluated: 2020-08-25. Review status: no assertion criteria provided. Collection method: clinical testing. Allele origin: germline. Not counted in ClinVar's aggregate classification.
Comment: This variant is classified as likely benign based on ACMG/AMP sequence variant interpretation guidelines (Richards et al. 2015 PMID: 25741868, with internal and published modifications).

NM_030973.4(MED25):c.396C>T (p.Arg132=)

Gene: MED25 (mediator complex subunit 25; plus strand). Cytogenetic location: 19q13.33.
Variant type: single nucleotide variant.
Coding change: c.396C>T on transcript NM_030973.4 (MANE Select); coding-DNA position 396, C replaced by T.
Protein change: p.Arg132=; no amino-acid change (arginine 132 retained).
Molecular consequence: synonymous variant.
Genome position (GRCh38, 1-based): chr19:49,828,539, C>T. VCF-style: chr19-49828539-C-T. GRCh37 (hg19) VCF-style: chr19-50331796-C-T.
Other names: c.396C>T, p.Arg132= (NM_001378355.1).
Identifiers: ClinVar variation 287305 (VCV000287305.40), dbSNP rs142353864, ClinGen allele CA9584826.
Genomic context (GRCh38, chr19:49,828,539, plus strand): 5'-CCTCATCGCGGAAGGACTCAGCACAGCCTTGCAGCTGTTTGATGACTTCAAGAAGATGCG[C>T]GAGCAGATGTGAGTGCCCCCTCCACCCAGGCCGGGCCGGTCTCTCTCTGCCTGGCCTGGA-3'
Protein context (NP_112235.2, residues 122-142): LQLFDDFKKM[Arg132=]EQIGQTHRVC